The following is an entry in ClinVar:

NM_000051.4(ATM):c.1550T>C (p.Val517Ala)

Gene: ATM (ATM serine/threonine kinase; plus strand). Cytogenetic location: 11q22.3.
Variant type: single nucleotide variant.
Coding change: c.1550T>C on transcript NM_000051.4 (MANE Select); coding-DNA position 1550, T replaced by C.
Protein change: p.Val517Ala; replaces valine 517 with alanine.
Molecular consequence: missense variant.
Genome position (GRCh38, 1-based): chr11:108,251,015, T>C. VCF-style: chr11-108251015-T-C. GRCh37 (hg19) VCF-style: chr11-108121742-T-C.
Other names: c.1550T>C, p.Val517Ala (NM_001351834.2); short protein forms V517A.
Identifiers: ClinVar variation 236674 (VCV000236674.10), dbSNP rs777986229, ClinGen allele CA10582794.

ClinVar aggregate classification (germline): Uncertain significance. Review status: criteria provided, multiple submitters, no conflicts (2 of 4 stars). 3 submissions from 3 submitters: Uncertain significance (3). Last evaluated 2025-09-05.

Conditions:
Hereditary cancer-predisposing syndrome. Also called: Tumor predisposition; Hereditary Cancer Syndrome; Hereditary neoplastic syndrome; Neoplastic Syndromes, Hereditary. Identifiers: Orphanet 140162, MedGen C0027672, MeSH D009386, MONDO:0015356.
Familial cancer of breast. Also called: hereditary breast carcinoma; BREAST CANCER, FAMILIAL; Hereditary breast cancer. Identifiers: Orphanet 227535, MedGen C0346153, MONDO:0016419, OMIM 114480. Disease mechanism: loss of function.
Ataxia-telangiectasia syndrome (AT). Also called: Ataxia telangiectasia (A-T); LOUIS-BAR SYNDROME; Cerebello-oculocutaneous telangiectasia; Immunodeficiency with ataxia telangiectasia; ATAXIA-TELANGIECTASIA, COMPLEMENTATION GROUP A; ATAXIA-TELANGIECTASIA, FRESNO VARIANT. Identifiers: Orphanet 100, MedGen C0004135, MONDO:0008840, OMIM 208900.

Allele frequency attached by ClinVar (database versions not stated): gnomAD exomes below 0.00001.
gnomAD v4.1: 2 of 1,614,188 alleles (0.00012%); highest among the groups gnomAD compares: South Asian, 0.0022%; no homozygotes.

Submissions (3):

Ambry Genetics
Classification: Uncertain significance for Hereditary cancer-predisposing syndrome. Last evaluated: 2025-09-05. Review status: criteria provided, single submitter. Criteria: Ambry Variant Classification Scheme 2023. Collection method: clinical testing. Allele origin: germline.
Comment: The p.V517A variant (also known as c.1550T>C), located in coding exon 9 of the ATM gene, results from a T to C substitution at nucleotide position 1550. The valine at codon 517 is replaced by alanine, an amino acid with similar properties. This amino acid position is not well conserved in available vertebrate species. In addition, this alteration is predicted to be tolerated by in silico analysis. Based on the available evidence, the clinical significance of this variant remains unclear.

Baylor Genetics
Classification: Uncertain significance for Familial cancer of breast. Last evaluated: 2024-03-05. Review status: criteria provided, single submitter. Criteria: ACMG Guidelines, 2015. Collection method: clinical testing. Allele origin: unknown.

Labcorp Genetics (formerly Invitae), Labcorp
Classification: Uncertain significance for Ataxia-telangiectasia syndrome. Last evaluated: 2022-12-16. Review status: criteria provided, single submitter. Criteria: Invitae Variant Classification Sherloc (09022015). Collection method: clinical testing. Allele origin: germline.
Comment: In summary, the available evidence is currently insufficient to determine the role of this variant in disease. Therefore, it has been classified as a Variant of Uncertain Significance. Algorithms developed to predict the effect of missense changes on protein structure and function are either unavailable or do not agree on the potential impact of this missense change (SIFT: "Deleterious"; PolyPhen-2: "Benign"; Align-GVGD: "Class C25"). ClinVar contains an entry for this variant (Variation ID: 236674). This variant has not been reported in the literature in individuals affected with ATM-related conditions. This variant is not present in population databases (gnomAD no frequency). This sequence change replaces valine, which is neutral and non-polar, with alanine, which is neutral and non-polar, at codon 517 of the ATM protein (p.Val517Ala).